The following is an entry in ClinVar:

NM_052947.4(ALPK2):c.5746G>C (p.Gly1916Arg)

Gene: ALPK2 (alpha kinase 2; minus strand). Cytogenetic location: 18q21.31.
Variant type: single nucleotide variant.
Coding change: c.5746G>C on transcript NM_052947.4 (MANE Select); coding-DNA position 5746, G replaced by C.
Protein change: p.Gly1916Arg; replaces glycine 1916 with arginine.
Molecular consequence: missense variant.
Genome position (GRCh38, 1-based): chr18:58,517,102, C>G on the plus strand (G>C on the coding strand, the complement: ALPK2 is on the minus strand). VCF-style: chr18-58517102-C-G. GRCh37 (hg19) VCF-style: chr18-56184334-C-G.
Other names: short protein forms G1916R.
Identifiers: ClinVar variation 3228815 (VCV003228815.1), dbSNP rs2051526209, ClinGen allele CA402548986.

ClinVar aggregate classification (germline): Uncertain significance (1 of 4 stars; one submission).

Submission:

Ambry Genetics
Classification: Uncertain significance. Last evaluated: 2024-01-12. Review status: criteria provided, single submitter. Criteria: Ambry Variant Classification Scheme 2023. Collection method: clinical testing. Allele origin: germline.
Comment: The p.G1916R variant (also known as c.5746G>C), located in coding exon 8 of the ALPK2 gene, results from a G to C substitution at nucleotide position 5746. The glycine at codon 1916 is replaced by arginine, an amino acid with dissimilar properties. This amino acid position is conserved. In addition, this alteration is predicted to be tolerated by in silico analysis. Since supporting evidence is limited at this time, the clinical significance of this alteration remains unclear.